The following is an entry in ClinVar:

NM_006517.5(SLC16A2):c.1550T>C (p.Met517Thr)

Gene: SLC16A2 (solute carrier family 16 member 2; plus strand). Cytogenetic location: Xq13.2.
Variant type: single nucleotide variant.
Coding change: c.1550T>C on transcript NM_006517.5 (MANE Select); coding-DNA position 1550, T replaced by C.
Protein change: p.Met517Thr; replaces methionine 517 with threonine.
Molecular consequence: missense variant.
Genome position (GRCh38, 1-based): chrX:74,531,483, T>C. VCF-style: chrX-74531483-T-C. GRCh37 (hg19) VCF-style: chrX-73751318-T-C.
Other names: short protein forms M517T.
Identifiers: ClinVar variation 2125761 (VCV002125761.4), dbSNP rs2519810118, ClinGen allele CA413659282.

ClinVar aggregate classification (germline): Uncertain significance (1 of 4 stars; one submission).

Conditions:
Spastic paraplegia. Identifiers: MedGen C0037772, HP:0001258.

Submission:

Labcorp Genetics (formerly Invitae), Labcorp
Classification: Uncertain significance for Spastic paraplegia. Last evaluated: 2022-08-19. Review status: criteria provided, single submitter. Criteria: Invitae Variant Classification Sherloc (09022015). Collection method: clinical testing. Allele origin: germline.
Comment: This variant is not present in population databases (gnomAD no frequency). In summary, the available evidence is currently insufficient to determine the role of this variant in disease. Therefore, it has been classified as a Variant of Uncertain Significance. Algorithms developed to predict the effect of missense changes on protein structure and function are either unavailable or do not agree on the potential impact of this missense change (SIFT: "Tolerated"; PolyPhen-2: "Possibly Damaging"; Align-GVGD: "Class C0"). This variant has not been reported in the literature in individuals affected with SLC16A2-related conditions. This sequence change replaces methionine, which is neutral and non-polar, with threonine, which is neutral and polar, at codon 517 of the SLC16A2 protein (p.Met517Thr).